The following is an entry in ClinVar:

NM_022114.4(PRDM16):c.952T>A (p.Phe318Ile)

Gene: PRDM16 (PR/SET domain 16; plus strand). Cytogenetic location: 1p36.32.
Variant type: single nucleotide variant.
Coding change: c.952T>A on transcript NM_022114.4 (MANE Select); coding-DNA position 952, T replaced by A.
Protein change: p.Phe318Ile; replaces phenylalanine 318 with isoleucine.
Molecular consequence: missense variant.
Genome position (GRCh38, 1-based): chr1:3,404,806, T>A. VCF-style: chr1-3404806-T-A. GRCh37 (hg19) VCF-style: chr1-3321370-T-A.
Other names: c.952T>A, p.Phe318Ile (NM_199454.3); short protein forms F318I.
Identifiers: ClinVar variation 3613360 (VCV003613360.2).

ClinVar aggregate classification (germline): Uncertain significance (1 of 4 stars; one submission).

Conditions:
Left ventricular noncompaction 8 (LVNC8). Identifiers: Orphanet 154, Orphanet 54260, MedGen C3809288, MONDO:0014152, OMIM 615373.

Submission:

Labcorp Genetics (formerly Invitae), Labcorp
Classification: Uncertain significance for Left ventricular noncompaction 8. Last evaluated: 2024-08-24. Review status: criteria provided, single submitter. Criteria: Invitae Variant Classification Sherloc (09022015). Collection method: clinical testing. Allele origin: germline.
Comment: This sequence change replaces phenylalanine, which is neutral and non-polar, with isoleucine, which is neutral and non-polar, at codon 318 of the PRDM16 protein (p.Phe318Ile). This variant is not present in population databases (gnomAD no frequency). This variant has not been reported in the literature in individuals affected with PRDM16-related conditions. An algorithm developed to predict the effect of missense changes on protein structure and function (PolyPhen-2) suggests that this variant is likely to be disruptive. In summary, the available evidence is currently insufficient to determine the role of this variant in disease. Therefore, it has been classified as a Variant of Uncertain Significance.